The following is an entry in ClinVar:

ClinVar aggregate classification (germline): Pathogenic. Review status: criteria provided, single submitter (1 of 4 stars). 2 submissions from 2 submitters: Pathogenic (1). 1 of the submissions does not count toward it. Last evaluated 2023-05-10.

Conditions:
Hereditary pheochromocytoma and paraganglioma. Also called: Hereditary Paraganglioma-Pheochromocytoma Syndromes; Hereditary paragangliomas and pheochromocytomas; Hereditary pheochromocytoma-paraganglioma. Identifiers: Orphanet 29072, MedGen C4274332, MONDO:0017366.
Pheochromocytoma. Also called: MAX-Related Hereditary Paraganglioma-Pheochromocytoma Syndrome. Identifiers: Orphanet 29072, MedGen C0031511, MONDO:0008233, OMIM 171300, HP:0002666.

Submissions (2):

Labcorp Genetics (formerly Invitae), Labcorp
Classification: Pathogenic for Hereditary pheochromocytoma and paraganglioma. Last evaluated: 2023-05-10. Review status: criteria provided, single submitter. Criteria: Invitae Variant Classification Sherloc (09022015). Collection method: clinical testing. Allele origin: germline.
Comment: This sequence change creates a premature translational stop signal (p.Gln26*) in the TMEM127 gene. It is expected to result in an absent or disrupted protein product. Loss-of-function variants in TMEM127 are known to be pathogenic (PMID: 20154675, 21156949). This variant is not present in population databases (gnomAD no frequency). This premature translational stop signal has been observed in individual(s) with TMEM127-related conditions (PMID: 21156949). ClinVar contains an entry for this variant (Variation ID: 126974). For these reasons, this variant has been classified as Pathogenic.

Familial Cancer Clinic, Veneto Institute of Oncology
Classification: Likely pathogenic for Pheochromocytoma. Review status: no assertion criteria provided. Collection method: not provided. Allele origin: germline. Not counted in ClinVar's aggregate classification.
ClinVar note: Converted during submission from likely pathogenic - adrenal pheochromocytoma to Likely pathogenic.

Literature cited by the submitters: PubMed 20154675 (cited by Labcorp Genetics (formerly Invitae), Labcorp); PubMed 21156949 (cited by Labcorp Genetics (formerly Invitae), Labcorp).

NM_017849.4(TMEM127):c.76C>T (p.Gln26Ter)

Genes: TMEM127 (transmembrane protein 127; minus strand), LOC129934333 (ATAC-STARR-seq lymphoblastoid silent region 11759; plus strand). Cytogenetic location: 2q11.2.
Variant type: single nucleotide variant.
Coding change: c.76C>T on transcript NM_017849.4 (MANE Select); coding-DNA position 76, C replaced by T.
Protein change: p.Gln26Ter; replaces glutamine 26 with a stop codon.
Molecular consequence: nonsense.
Genome position (GRCh38, 1-based): chr2:96,265,306, G>A on the plus strand (C>T on the coding strand, the complement: TMEM127 is on the minus strand). VCF-style: chr2-96265306-G-A. GRCh37 (hg19) VCF-style: chr2-96931044-G-A.
Other names: c.76C>T, p.Gln26Ter (NM_001193304.3); short protein forms Q26*.
Identifiers: ClinVar variation 126974 (VCV000126974.5), dbSNP rs121908815, ClinGen allele CA269764.